The following is an entry in ClinVar:

NM_001376.5(DYNC1H1):c.99C>A (p.His33Gln)

Gene: DYNC1H1 (dynein cytoplasmic 1 heavy chain 1; plus strand). Cytogenetic location: 14q32.31.
Variant type: single nucleotide variant.
Coding change: c.99C>A on transcript NM_001376.5 (MANE Select); coding-DNA position 99, C replaced by A.
Protein change: p.His33Gln; replaces histidine 33 with glutamine.
Molecular consequence: missense variant.
Genome position (GRCh38, 1-based): chr14:101,964,790, C>A. VCF-style: chr14-101964790-C-A. GRCh37 (hg19) VCF-style: chr14-102431127-C-A.
Other names: short protein forms H33Q.
Identifiers: ClinVar variation 2728023 (VCV002728023.3), dbSNP rs1347832786, ClinGen allele CA391003262.

ClinVar aggregate classification (germline): Uncertain significance (1 of 4 stars; one submission).

Conditions:
Charcot-Marie-Tooth disease axonal type 2O. Also called: CHARCOT-MARIE-TOOTH NEUROPATHY, AXONAL, TYPE 2O; CHARCOT-MARIE-TOOTH DISEASE, AXONAL, AUTOSOMAL DOMINANT, TYPE 2O; Charcot-Marie-Tooth Neuropathy Type 2O; Charcot-Marie-Tooth disease, axonal, type 20. Identifiers: Orphanet 284232, MedGen C3280220, MONDO:0013644, OMIM 614228.

gnomAD v4.1: 2 of 1,602,844 alleles (0.00012%); highest among the groups gnomAD compares: Non-Finnish European, 0.00017%; no homozygotes.

Submission:

Labcorp Genetics (formerly Invitae), Labcorp
Classification: Uncertain significance for Charcot-Marie-Tooth disease axonal type 2O. Last evaluated: 2023-06-16. Review status: criteria provided, single submitter. Criteria: Invitae Variant Classification Sherloc (09022015). Collection method: clinical testing. Allele origin: germline.
Comment: This variant has not been reported in the literature in individuals affected with DYNC1H1-related conditions. This variant is not present in population databases (gnomAD no frequency). This sequence change replaces histidine, which is basic and polar, with glutamine, which is neutral and polar, at codon 33 of the DYNC1H1 protein (p.His33Gln). Advanced modeling of protein sequence and biophysical properties (such as structural, functional, and spatial information, amino acid conservation, physicochemical variation, residue mobility, and thermodynamic stability) performed at Invitae indicates that this missense variant is not expected to disrupt DYNC1H1 protein function. In summary, the available evidence is currently insufficient to determine the role of this variant in disease. Therefore, it has been classified as a Variant of Uncertain Significance.